The following is an entry in ClinVar:

NM_001127222.2(CACNA1A):c.5940+18C>G

Gene: CACNA1A (calcium voltage-gated channel subunit alpha1 A; minus strand). Cytogenetic location: 19p13.13.
Variant type: single nucleotide variant.
Coding change: c.5940+18C>G on transcript NM_001127222.2 (MANE Select); 18 bases into the intron after coding-DNA position 5940, C replaced by G.
Molecular consequence: intron variant.
Genome position (GRCh38, 1-based): chr19:13,214,215, G>C on the plus strand (C>G on the coding strand, the complement: CACNA1A is on the minus strand). VCF-style: chr19-13214215-G-C. GRCh37 (hg19) VCF-style: chr19-13325029-G-C.
Other names: c.5943+18C>G (NM_001127221.2); c.5949+18C>G (NM_001174080.2); c.5958+18C>G (NM_000068.4, NM_023035.3).
Identifiers: ClinVar variation 386110 (VCV000386110.10), dbSNP rs1057522421, ClinGen allele CA16608118.
Genomic context (GRCh38, chr19:13,214,215, plus strand): 5'-ATATTCCAGTTGGTTCCCGTGGTGACATGCAAGCCACTGTCCCCAGCCCAGATGTCCCCA[G>C]AGCGGCGAACAGCGCACCTGCTCCTCGCGCATGGCCTGCAGCTTCTTGGCCTTGCTCTGC-3'

ClinVar aggregate classification (germline): Conflicting classifications of pathogenicity. Review status: criteria provided, conflicting classifications (1 of 4 stars). 3 submissions from 3 submitters: Uncertain significance (1); Likely benign (2). Last evaluated 2025-07-20.

Conditions:
Episodic ataxia type 2 (EA2). Also called: ATAXIA, EPISODIC, WITH NYSTAGMUS; ATAXIA, FAMILIAL PAROXYSMAL; CEREBELLAR ATAXIA, PAROXYSMAL, ACETAZOLAMIDE-RESPONSIVE; CEREBELLOPATHY, HEREDITARY PAROXYSMAL; ACETAZOLAMIDE-RESPONSIVE HEREDITARY PAROXYSMAL CEREBELLAR ATAXIA; EPISODIC ATAXIA, NYSTAGMUS-ASSOCIATED. Identifiers: Orphanet 97, MedGen C1720416, MONDO:0007163, OMIM 108500.
Developmental and epileptic encephalopathy, 42 (DEE42A). Also called: DEVELOPMENTAL AND EPILEPTIC ENCEPHALOPATHY 42A; EPILEPTIC ENCEPHALOPATHY, EARLY INFANTILE, 42A; Epileptic encephalopathy, early infantile, 42. Identifiers: MedGen C4310716, MONDO:0014917, OMIM 617106.

gnomAD v4.1: 8 of 1,591,998 alleles (0.0005%); highest among the groups gnomAD compares: Non-Finnish European, 0.00034%; no homozygotes.

Submissions (3):

Labcorp Genetics (formerly Invitae), Labcorp
Classification: Likely benign for Developmental and epileptic encephalopathy, 42; Episodic ataxia type 2. Last evaluated: 2025-07-20. Review status: criteria provided, single submitter. Criteria: Invitae Variant Classification Sherloc (09022015). Collection method: clinical testing. Allele origin: germline.

Baylor Genetics
Classification: Uncertain significance for Developmental and epileptic encephalopathy, 42. Last evaluated: 2018-01-16. Review status: criteria provided, single submitter. Criteria: ACMG Guidelines, 2015. Collection method: clinical testing. Allele origin: maternal. Affected: yes.
Comment: This variant was determined to be of uncertain significance according to ACMG Guidelines, 2015 [PMID:25741868].

GeneDx
Classification: Likely benign. Last evaluated: 2016-05-16. Review status: criteria provided, single submitter. Criteria: GeneDx Variant Classification (06012015). Collection method: clinical testing. Allele origin: germline. Affected: yes.
Comment: This variant is considered likely benign or benign based on one or more of the following criteria: it is a conservative change, it occurs at a poorly conserved position in the protein, it is predicted to be benign by multiple in silico algorithms, and/or has population frequency not consistent with disease.